The following is an entry in ClinVar:

ClinVar aggregate classification (germline): Uncertain significance. Review status: criteria provided, multiple submitters, no conflicts (2 of 4 stars). 2 submissions from 2 submitters: Uncertain significance (2). Last evaluated 2025-10-02.

Conditions:
Inborn genetic diseases. Identifiers: MedGen C0950123, MeSH D030342.

Allele frequency attached by ClinVar (database versions not stated): gnomAD 0.00001; gnomAD exomes 0.00001 and 0.00002; TOPMed 0.00001; ExAC 0.00002.

Submissions (2):

Labcorp Genetics (formerly Invitae), Labcorp
Classification: Uncertain significance. Last evaluated: 2025-10-02. Review status: criteria provided, single submitter. Criteria: Invitae Variant Classification Sherloc (09022015). Collection method: clinical testing. Allele origin: germline.
Comment: This sequence change replaces methionine, which is neutral and non-polar, with valine, which is neutral and non-polar, at codon 1191 of the ARHGAP31 protein (p.Met1191Val). This variant is present in population databases (rs747732527, gnomAD 0.003%). This variant has not been reported in the literature in individuals affected with ARHGAP31-related conditions. ClinVar contains an entry for this variant (Variation ID: 1462585). An algorithm developed to predict the effect of missense changes on protein structure and function (PolyPhen-2) suggests that this variant is likely to be disruptive. In summary, the available evidence is currently insufficient to determine the role of this variant in disease. Therefore, it has been classified as a Variant of Uncertain Significance.

Ambry Genetics
Classification: Uncertain significance for Inborn genetic diseases. Last evaluated: 2025-07-02. Review status: criteria provided, single submitter. Criteria: Ambry Variant Classification Scheme 2023. Collection method: clinical testing. Allele origin: germline.

NM_020754.4(ARHGAP31):c.3571A>G (p.Met1191Val)

Gene: ARHGAP31 (Rho GTPase activating protein 31; plus strand). Cytogenetic location: 3q13.33.
Variant type: single nucleotide variant.
Coding change: c.3571A>G on transcript NM_020754.4 (MANE Select); coding-DNA position 3571, A replaced by G.
Protein change: p.Met1191Val; replaces methionine 1191 with valine.
Molecular consequence: missense variant.
Genome position (GRCh38, 1-based): chr3:119,415,500, A>G. VCF-style: chr3-119415500-A-G. GRCh37 (hg19) VCF-style: chr3-119134347-A-G.
Other names: c.3571A>G (NM_020754.2); short protein forms M1191V.
Identifiers: ClinVar variation 1462585 (VCV001462585.7), dbSNP rs747732527, ClinGen allele CA2554217.